The following is an entry in ClinVar:

NM_031935.3(HMCN1):c.5065C>T (p.Arg1689Cys)

Gene: HMCN1 (hemicentin 1; plus strand). Cytogenetic location: 1q31.1.
Variant type: single nucleotide variant.
Coding change: c.5065C>T on transcript NM_031935.3 (MANE Select); coding-DNA position 5065, C replaced by T.
Protein change: p.Arg1689Cys; replaces arginine 1689 with cysteine.
Molecular consequence: missense variant.
Genome position (GRCh38, 1-based): chr1:186,016,113, C>T. VCF-style: chr1-186016113-C-T. GRCh37 (hg19) VCF-style: chr1-185985245-C-T.
Other names: short protein forms R1689C.
Identifiers: ClinVar variation 2172900 (VCV002172900.4), dbSNP rs771562191, ClinGen allele CA1292169.

ClinVar aggregate classification (germline): Uncertain significance (1 of 4 stars; one submission).

Allele frequency attached by ClinVar (database versions not stated): TOPMed below 0.00001; gnomAD 0.00001.
gnomAD v4.1: 43 of 1,613,228 alleles (0.0027%); highest among the groups gnomAD compares: South Asian, 0.018%; no homozygotes.

Submission:

Labcorp Genetics (formerly Invitae), Labcorp
Classification: Uncertain significance. Last evaluated: 2026-01-04. Review status: criteria provided, single submitter. Criteria: Invitae Variant Classification Sherloc (09022015). Collection method: clinical testing. Allele origin: germline.
Comment: This sequence change replaces arginine, which is basic and polar, with cysteine, which is neutral and slightly polar, at codon 1689 of the HMCN1 protein (p.Arg1689Cys). This variant is present in population databases (rs771562191, gnomAD 0.02%). This variant has not been reported in the literature in individuals affected with HMCN1-related conditions. ClinVar contains an entry for this variant (Variation ID: 2172900). An algorithm developed to predict the effect of missense changes on protein structure and function (PolyPhen-2) suggests that this variant is likely to be disruptive. In summary, the available evidence is currently insufficient to determine the role of this variant in disease. Therefore, it has been classified as a Variant of Uncertain Significance.